The following is an entry in ClinVar:

ClinVar aggregate classification (germline): Benign. Review status: criteria provided, multiple submitters, no conflicts (2 of 4 stars). 3 submissions from 3 submitters: Benign (3). Last evaluated 2023-11-12.

Allele frequency attached by ClinVar (database versions not stated): gnomAD exomes 0.17918; 1000 Genomes Project 30x 0.18863; 1000 Genomes Project 0.19189; TOPMed 0.19772; gnomAD 0.20153 and 0.20291.
gnomAD v4.1: 200,376 of 1,099,028 alleles (18%); highest among the groups gnomAD compares: African/African-American, 26%; 19,331 homozygotes.

Submissions (3):

Unidad de Genómica Garrahan, Hospital de Pediatría Garrahan
Classification: Benign. Last evaluated: 2023-11-12. Review status: criteria provided, single submitter. Criteria: ACMG Guidelines, 2015. Collection method: clinical testing. Allele origin: germline. Affected: no. Observed: 21 variant alleles.
Comment: This variant is classified as Benign based on local population frequency. This variant was detected in 22% of patients studied by a panel of primary immunodeficiencies. Number of patients: 21. Only high quality variants are reported.

GeneDx
Classification: Benign. Last evaluated: 2018-12-24. Review status: criteria provided, single submitter. Criteria: GeneDx Variant Classification Process June 2021. Collection method: clinical testing. Allele origin: germline. Affected: yes.

Breakthrough Genomics
Classification: Benign. Review status: criteria provided, single submitter. Criteria: ACMG Guidelines, 2015. Collection method: not provided. Allele origin: germline. Inheritance: Autosomal recessive inheritance. Affected: yes.

NM_001261826.3(AP3D1):c.907-111T>C

Gene: AP3D1 (adaptor related protein complex 3 subunit delta 1; minus strand). Cytogenetic location: 19p13.3.
Variant type: single nucleotide variant.
Coding change: c.907-111T>C on transcript NM_001261826.3 (MANE Select); 111 bases into the intron before coding-DNA position 907, T replaced by C.
Molecular consequence: intron variant.
Genome position (GRCh38, 1-based): chr19:2,123,517, A>G on the plus strand (T>C on the coding strand, the complement: AP3D1 is on the minus strand). VCF-style: chr19-2123517-A-G. GRCh37 (hg19) VCF-style: chr19-2123516-A-G.
Other names: c.907-111T>C (NM_003938.8, NM_001374799.1).
Identifiers: ClinVar variation 1271123 (VCV001271123.4), dbSNP rs2072304, ClinGen allele CA14680875.
Genomic context (GRCh38, chr19:2,123,517, plus strand): 5'-AGTCCCACAGGTACCCTCCAGATTCAACCTCAACCTGGCCTAAGGCCCGGCGTCAGCCCC[A>G]CCCACCAATCAAAGCCCAGGAGGGAAACAAGCATGGCCCACATGGGGCACTGGAGACAAG-3'